The following is an entry in ClinVar:

ClinVar aggregate classification (germline): Uncertain significance (1 of 4 stars; one submission).

Conditions:
Progressive myoclonic epilepsy. Also called: Myoclonic Epilepsies, Progressive; Myoclonus epilepsy; Familial progressive myoclonic epilepsy; Progressive myoclonus epilepsy. Identifiers: Orphanet 308, Orphanet 98261, MedGen C0751778, MONDO:0020074.

Submission:

Labcorp Genetics (formerly Invitae), Labcorp
Classification: Uncertain significance for Progressive myoclonic epilepsy. Last evaluated: 2017-10-12. Review status: criteria provided, single submitter. Criteria: Invitae Variant Classification Sherloc (09022015). Collection method: clinical testing. Allele origin: germline.
Comment: This variant is a gross duplication of the genomic region encompassing exons 1-2 of the SCARB2 gene. The 5' end of this event is unknown as it extends beyond the assayed region for this gene and therefore may encompass additional genes. The 3' boundary is likely confined to intron 2 of the SCARB2 gene. The exact location of this variant in the genome is unknown. Duplication of exons 1-2 has not been reported in the literature in individuals with a SCARB2-related disease. Experimental studies and prediction algorithms are not available for this variant, and the functional significance of this duplication is currently unknown. In summary, the genomic location of this duplication is unknown and the impact of this variant on SCARB2 protein function has not been established. Therefore, it has been classified as a Variant of Uncertain Significance.

NC_000004.11:g.(?_77116840)_(77134716_?)dup

Genes: SCARB2 (scavenger receptor class B member 2; minus strand), LOC129992692 (ATAC-STARR-seq lymphoblastoid active region 21627; plus strand), LOC129992693 (ATAC-STARR-seq lymphoblastoid active region 21628; plus strand). Cytogenetic location: 4q21.1.
Variant type: Duplication.
Identifiers: ClinVar variation 531812 (VCV000531812.1).